The following is an entry in ClinVar:

ClinVar aggregate classification (germline): Likely pathogenic (1 of 4 stars; one submission).

Conditions:
Peutz-Jeghers syndrome (PJS). Also called: Peutz-Jeghers polyposis; Periorificial lentiginosis syndrome; POLYPOSIS, HAMARTOMATOUS INTESTINAL; POLYPS-AND-SPOTS SYNDROME. Identifiers: Orphanet 2869, MedGen C0031269, MeSH D010580, MONDO:0008280, OMIM 175200.

Submission:

Women's Health and Genetics/Laboratory Corporation of America, LabCorp
Classification: Likely pathogenic for Peutz-Jeghers syndrome. Last evaluated: 2020-10-05. Review status: criteria provided, single submitter. Criteria: LabCorp Variant Classification Summary - May 2015. Collection method: clinical testing. Allele origin: germline.
Comment: Variant summary: STK11 c.69delC (p.Asp23GlufsX28) results in a premature termination codon, predicted to cause a truncation of the encoded protein or absence of the protein due to nonsense mediated decay, which are commonly known mechanisms for disease. Truncations downstream of this position have been classified as pathogenic by our laboratory. The variant was absent in 245242 control chromosomes (gnomAD). To our knowledge, no occurrence of c.69delC in individuals affected with Peutz-Jeghers Syndrome and no experimental evidence demonstrating its impact on protein function have been reported. No clinical diagnostic laboratories have submitted clinical-significance assessments for this variant to ClinVar after 2014. Based on the evidence outlined above, the variant was classified as likely pathogenic.

NM_000455.5(STK11):c.69del (p.Asp23fs)

Gene: STK11 (serine/threonine kinase 11; plus strand). Cytogenetic location: 19p13.3.
Variant type: Deletion.
Coding change: c.69del on transcript NM_000455.5 (MANE Select); coding-DNA position 69, one base deleted (C; older notation c.69delC).
Protein change: p.Asp23fs; shifts the reading frame from aspartic acid 23.
Molecular consequence: frameshift variant.
Genome position (GRCh38, 1-based): chr19:1,206,982, C deleted. VCF-style (leftmost placement, unchanged base first): chr19-1206981-AC-A. GRCh37 (hg19) VCF-style: chr19-1206980-AC-A.
Other names: short protein forms D23fs.
Identifiers: ClinVar variation 984506 (VCV000984506.1), dbSNP rs2080670725, ClinGen allele CA1139666179.